The following is an entry in ClinVar:

ClinVar aggregate classification (germline): Uncertain significance (1 of 4 stars; one submission).

gnomAD v4.1: 5 of 1,614,100 alleles (0.00031%); highest among the groups gnomAD compares: Non-Finnish European, 0.00042%; no homozygotes.

Submission:

Labcorp Genetics (formerly Invitae), Labcorp
Classification: Uncertain significance. Last evaluated: 2024-01-14. Review status: criteria provided, single submitter. Criteria: Invitae Variant Classification Sherloc (09022015). Collection method: clinical testing. Allele origin: germline.
Comment: This sequence change replaces aspartic acid, which is acidic and polar, with glutamic acid, which is acidic and polar, at codon 607 of the LEMD3 protein (p.Asp607Glu). This variant is not present in population databases (gnomAD no frequency). This variant has not been reported in the literature in individuals affected with LEMD3-related conditions. Advanced modeling of protein sequence and biophysical properties (such as structural, functional, and spatial information, amino acid conservation, physicochemical variation, residue mobility, and thermodynamic stability) performed at Invitae indicates that this missense variant is not expected to disrupt LEMD3 protein function with a negative predictive value of 80%. In summary, the available evidence is currently insufficient to determine the role of this variant in disease. Therefore, it has been classified as a Variant of Uncertain Significance.

NM_014319.5(LEMD3):c.1821T>G (p.Asp607Glu)

Gene: LEMD3 (LEM domain containing 3; plus strand). Cytogenetic location: 12q14.3.
Variant type: single nucleotide variant.
Coding change: c.1821T>G on transcript NM_014319.5 (MANE Select); coding-DNA position 1821, T replaced by G.
Protein change: p.Asp607Glu; replaces aspartic acid 607 with glutamic acid.
Molecular consequence: missense variant.
Genome position (GRCh38, 1-based): chr12:65,238,714, T>G. VCF-style: chr12-65238714-T-G. GRCh37 (hg19) VCF-style: chr12-65632494-T-G.
Other names: c.1818T>G, p.Asp606Glu (NM_001167614.2); short protein forms D607E, D606E.
Identifiers: ClinVar variation 2708018 (VCV002708018.3), dbSNP rs1870845461, ClinGen allele CA385671156.